The following is an entry in ClinVar:

NM_004991.4(MECOM):c.2471T>G (p.Phe824Cys)

Gene: MECOM (MDS1 and EVI1 complex locus; minus strand). Cytogenetic location: 3q26.2.
Variant type: single nucleotide variant.
Coding change: c.2471T>G on transcript NM_004991.4 (MANE Select); coding-DNA position 2471, T replaced by G.
Protein change: p.Phe824Cys; replaces phenylalanine 824 with cysteine.
Molecular consequence: missense variant.
Genome position (GRCh38, 1-based): chr3:169,115,401, A>C on the plus strand (T>G on the coding strand, the complement: MECOM is on the minus strand). VCF-style: chr3-169115401-A-C. GRCh37 (hg19) VCF-style: chr3-168833189-A-C.
Other names: c.1910T>G, p.Phe637Cys (NM_001366468.2, NM_001366470.2, NM_001163999.2 and 1 more transcripts); c.1907T>G, p.Phe636Cys (NM_001366469.2, NM_001366471.2, NM_001366472.2 and 4 more transcripts); c.1499T>G, p.Phe500Cys (NM_001366473.2); c.935T>G, p.Phe312Cys (NM_001366474.2); c.2102T>G, p.Phe701Cys (NM_001105077.4); c.2471T>G, p.Phe824Cys (NM_001366466.2); short protein forms F312C, F636C, F701C, F824C, F637C, F500C.
Identifiers: ClinVar variation 1974508 (VCV001974508.5), dbSNP rs768611335, ClinGen allele CA87591945.

ClinVar aggregate classification (germline): Uncertain significance (1 of 4 stars; one submission).

gnomAD v4.1: 4 of 1,613,870 alleles (0.00025%); highest among the groups gnomAD compares: Admixed American, 0.0033%; no homozygotes.

Submission:

Labcorp Genetics (formerly Invitae), Labcorp
Classification: Uncertain significance. Last evaluated: 2025-10-13. Review status: criteria provided, single submitter. Criteria: Invitae Variant Classification Sherloc (09022015). Collection method: clinical testing. Allele origin: germline.
Comment: This sequence change replaces phenylalanine, which is neutral and non-polar, with cysteine, which is neutral and slightly polar, at codon 636 of the MECOM protein (p.Phe636Cys). This variant is present in population databases (no rsID available, gnomAD no frequency). This variant has not been reported in the literature in individuals affected with MECOM-related conditions. ClinVar contains an entry for this variant (Variation ID: 1974508). An algorithm developed to predict the effect of missense changes on protein structure and function (PolyPhen-2) suggests that this variant is likely to be disruptive. In summary, the available evidence is currently insufficient to determine the role of this variant in disease. Therefore, it has been classified as a Variant of Uncertain Significance.